The following is an entry in ClinVar:

ClinVar aggregate classification (germline): Conflicting classifications of pathogenicity. Review status: criteria provided, conflicting classifications (1 of 4 stars). 2 submissions from 2 submitters: Uncertain significance (1); Likely benign (1). Last evaluated 2024-07-30.

Conditions:
Hereditary cancer-predisposing syndrome. Also called: Tumor predisposition; Neoplastic Syndromes, Hereditary; Hereditary Cancer Syndrome; Hereditary neoplastic syndrome. Identifiers: Orphanet 140162, MedGen C0027672, MeSH D009386, MONDO:0015356.

Submissions (2):

Blueprint Genetics
Classification: Likely benign. Last evaluated: 2024-07-30. Review status: criteria provided, single submitter. Criteria: ACMG Guidelines, 2015. Collection method: clinical testing. Allele origin: germline.

Ambry Genetics
Classification: Uncertain significance for Hereditary cancer-predisposing syndrome. Last evaluated: 2023-06-06. Review status: criteria provided, single submitter. Criteria: Ambry Variant Classification Scheme 2023. Collection method: clinical testing. Allele origin: germline.
Comment: The p.T1785P variant (also known as c.5353A>C), located in coding exon 10 of the BRCA2 gene, results from an A to C substitution at nucleotide position 5353. The threonine at codon 1785 is replaced by proline, an amino acid with highly similar properties. This amino acid position is conserved. In addition, this alteration is predicted to be tolerated by in silico analysis. Since supporting evidence is limited at this time, the clinical significance of this alteration remains unclear.

NM_000059.4(BRCA2):c.5353A>C (p.Thr1785Pro)

Gene: BRCA2 (BRCA2 DNA repair associated; plus strand). Cytogenetic location: 13q13.1.
Variant type: single nucleotide variant.
Coding change: c.5353A>C on transcript NM_000059.4 (MANE Select); coding-DNA position 5353, A replaced by C.
Protein change: p.Thr1785Pro; replaces threonine 1785 with proline.
Molecular consequence: missense variant. On other transcripts: non-coding transcript variant (1), intron variant (2).
Genome position (GRCh38, 1-based): chr13:32,339,708, A>C. VCF-style: chr13-32339708-A-C. GRCh37 (hg19) VCF-style: chr13-32913845-A-C.
Other names: c.5353A>C, p.Thr1785Pro (NM_001406719.1, NM_001406720.1); c.1910-4850A>C (NM_001406721.1); c.425-4850A>C (NM_001406722.1); short protein forms T1785P.
Identifiers: ClinVar variation 2566052 (VCV002566052.3), dbSNP rs786202394, ClinGen allele CA387785059.